The following is an entry in ClinVar:

ClinVar aggregate classification (germline): Benign (1 of 4 stars; one submission).

Allele frequency attached by ClinVar (database versions not stated): 1000 Genomes Project 30x 0.93582; 1000 Genomes Project 0.93610; TOPMed 0.94888; gnomAD 0.95123 and 0.95178.
gnomAD v4.1: 144,871 of 152,238 alleles (95%); highest among the groups gnomAD compares: East Asian, 97%; 69,011 homozygotes.

Submission:

GeneDx
Classification: Benign. Last evaluated: 2018-06-18. Review status: criteria provided, single submitter. Criteria: GeneDx Variant Classification (06012015). Collection method: clinical testing. Allele origin: germline. Affected: yes.
Comment: This variant is considered likely benign or benign based on one or more of the following criteria: it is a conservative change, it occurs at a poorly conserved position in the protein, it is predicted to be benign by multiple in silico algorithms, and/or has population frequency not consistent with disease.

NM_000426.4(LAMA2):c.283+300G>A

Gene: LAMA2 (laminin subunit alpha 2; plus strand). Cytogenetic location: 6q22.33.
Variant type: single nucleotide variant.
Coding change: c.283+300G>A on transcript NM_000426.4 (MANE Select); 300 bases into the intron after coding-DNA position 283, G replaced by A.
Molecular consequence: intron variant.
Genome position (GRCh38, 1-based): chr6:129,050,388, G>A. VCF-style: chr6-129050388-G-A. GRCh37 (hg19) VCF-style: chr6-129371533-G-A.
Other names: c.283+300G>A (NM_001079823.2).
Identifiers: ClinVar variation 684020 (VCV000684020.1), dbSNP rs9402098, ClinGen allele CA147269557.